The following is an entry in ClinVar:

ClinVar aggregate classification (germline): Uncertain significance (1 of 4 stars; one submission).

Conditions:
Inborn genetic diseases. Identifiers: MedGen C0950123, MeSH D030342.

Submission:

Ambry Genetics
Classification: Uncertain significance for Inborn genetic diseases. Last evaluated: 2026-05-04. Review status: criteria provided, single submitter. Criteria: Ambry Variant Classification Scheme 2023. Collection method: clinical testing. Allele origin: germline.
Comment: The p.A352S variant (also known as c.1054G>T), located in coding exon 6 of the WT1 gene, results from a G to T substitution at nucleotide position 1054. The alanine at codon 352 is replaced by serine, an amino acid with similar properties. This amino acid position is well conserved in available vertebrate species. In addition, this alteration is predicted to be tolerated by in silico analysis. Based on the available evidence, the clinical significance of this variant remains unclear.

NM_024426.6(WT1):c.1069G>T (p.Ala357Ser)

Gene: WT1 (WT1 transcription factor; minus strand). Cytogenetic location: 11p13.
Variant type: single nucleotide variant.
Coding change: c.1069G>T on transcript NM_024426.6 (MANE Select); coding-DNA position 1069, G replaced by T.
Protein change: p.Ala357Ser; replaces alanine 357 with serine.
Molecular consequence: missense variant. On other transcripts: 5 prime UTR variant (1), non-coding transcript variant (2).
Genome position (GRCh38, 1-based): chr11:32,399,992, C>A on the plus strand (G>T on the coding strand, the complement: WT1 is on the minus strand). VCF-style: chr11-32399992-C-A. GRCh37 (hg19) VCF-style: chr11-32421538-C-A.
Other names: c.1018G>T, p.Ala340Ser (NM_000378.6, NM_001407045.1, NM_001407048.1 and 1 more transcripts); c.418G>T, p.Ala140Ser (NM_001198551.2); c.367G>T, p.Ala123Ser (NM_001198552.2); c.-120G>T (NM_001367854.1); c.1063G>T, p.Ala355Ser (NM_001407044.1); c.1069G>T, p.Ala357Ser (NM_001407046.1, NM_024424.5); c.946G>T, p.Ala316Ser (NM_001407047.1); c.895G>T, p.Ala299Ser (NM_001407050.1); and 3 more; short protein forms A103S, A123S, A140S, A267S, A284S, A299S, A316S, A340S.
Identifiers: ClinVar variation 4866806 (VCV004866806.1).